The following is an entry in ClinVar:

ClinVar aggregate classification (germline): Benign/Likely benign. Review status: criteria provided, multiple submitters, no conflicts (2 of 4 stars). 2 submissions from 2 submitters: Benign (1); Likely benign (1). Last evaluated 2026-05-21.

Conditions:
Neurofibromatosis, type 1 (NF1). Also called: VON RECKLINGHAUSEN DISEASE; Neurofibromatosis, type I; NEUROFIBROMATOSIS, TYPE I, SOMATIC; Peripheral type neurofibromatosis. Identifiers: Orphanet 636, MedGen C0027831, MONDO:0018975, OMIM 162200. Disease mechanism: loss of function.

Submissions (2):

Myriad Genetics, Inc.
Classification: Benign for Neurofibromatosis, type 1. Last evaluated: 2026-05-21. Review status: criteria provided, single submitter. Criteria: Myriad Autosomal Dominant, Autosomal Recessive and X-Linked Classification Criteria (2023). Collection method: clinical testing. Allele origin: unknown.
Comment: This variant is considered benign. This variant is intronic and is not expected to impact mRNA splicing.

Labcorp Genetics (formerly Invitae), Labcorp
Classification: Likely benign for Neurofibromatosis, type 1. Last evaluated: 2026-01-13. Review status: criteria provided, single submitter. Criteria: Invitae Variant Classification Sherloc (09022015). Collection method: clinical testing. Allele origin: germline.

NM_001042492.3(NF1):c.6642+11C>A

Gene: NF1 (neurofibromin 1; plus strand). Cytogenetic location: 17q11.2.
Variant type: single nucleotide variant.
Coding change: c.6642+11C>A on transcript NM_001042492.3 (MANE Select); 11 bases into the intron after coding-DNA position 6642, C replaced by A.
Molecular consequence: intron variant.
Genome position (GRCh38, 1-based): chr17:31,337,593, C>A. VCF-style: chr17-31337593-C-A. GRCh37 (hg19) VCF-style: chr17-29664611-C-A.
Other names: c.6579+11C>A (NM_000267.4).
Identifiers: ClinVar variation 1592466 (VCV001592466.9), dbSNP rs375446476, ClinGen allele CA982981130.